The following is an entry in ClinVar:

ClinVar aggregate classification (germline): Uncertain significance. Review status: criteria provided, multiple submitters, no conflicts (2 of 4 stars). 2 submissions from 2 submitters: Uncertain significance (2). Last evaluated 2024-06-17.

Conditions:
Hereditary cancer-predisposing syndrome. Also called: Neoplastic Syndromes, Hereditary; Tumor predisposition; Hereditary Cancer Syndrome; Hereditary neoplastic syndrome. Identifiers: Orphanet 140162, MedGen C0027672, MeSH D009386, MONDO:0015356.

Allele frequency attached by ClinVar (database versions not stated): gnomAD exomes below 0.00001.
gnomAD v4.1: 3 of 1,614,108 alleles (0.00019%); highest among the groups gnomAD compares: Non-Finnish European, 0.00025%; no homozygotes.

Submissions (2):

Labcorp Genetics (formerly Invitae), Labcorp
Classification: Uncertain significance. Last evaluated: 2024-06-17. Review status: criteria provided, single submitter. Criteria: Invitae Variant Classification Sherloc (09022015). Collection method: clinical testing. Allele origin: germline.
Comment: This sequence change replaces threonine, which is neutral and polar, with isoleucine, which is neutral and non-polar, at codon 1807 of the POLE protein (p.Thr1807Ile). This variant is not present in population databases (gnomAD no frequency). This variant has not been reported in the literature in individuals affected with POLE-related conditions. ClinVar contains an entry for this variant (Variation ID: 654087). Advanced modeling of protein sequence and biophysical properties (such as structural, functional, and spatial information, amino acid conservation, physicochemical variation, residue mobility, and thermodynamic stability) performed at Invitae indicates that this missense variant is not expected to disrupt POLE protein function with a negative predictive value of 80%. In summary, the available evidence is currently insufficient to determine the role of this variant in disease. Therefore, it has been classified as a Variant of Uncertain Significance.

Ambry Genetics
Classification: Uncertain significance for Hereditary cancer-predisposing syndrome. Last evaluated: 2024-01-22. Review status: criteria provided, single submitter. Criteria: Ambry Variant Classification Scheme 2023. Collection method: clinical testing. Allele origin: germline.
Comment: The p.T1807I variant (also known as c.5420C>T), located in coding exon 40 of the POLE gene, results from a C to T substitution at nucleotide position 5420. The threonine at codon 1807 is replaced by isoleucine, an amino acid with similar properties. This amino acid position is conserved. In addition, this alteration is predicted to be tolerated by in silico analysis. Since supporting evidence is limited at this time, the clinical significance of this alteration remains unclear.

NM_006231.4(POLE):c.5420C>T (p.Thr1807Ile)

Gene: POLE (DNA polymerase epsilon, catalytic subunit; minus strand). Cytogenetic location: 12q24.33.
Variant type: single nucleotide variant.
Coding change: c.5420C>T on transcript NM_006231.4 (MANE Select); coding-DNA position 5420, C replaced by T.
Protein change: p.Thr1807Ile; replaces threonine 1807 with isoleucine.
Molecular consequence: missense variant.
Genome position (GRCh38, 1-based): chr12:132,639,257, G>A on the plus strand (C>T on the coding strand, the complement: POLE is on the minus strand). VCF-style: chr12-132639257-G-A. GRCh37 (hg19) VCF-style: chr12-133215843-G-A.
Other names: short protein forms T1807I.
Identifiers: ClinVar variation 654087 (VCV000654087.11), dbSNP rs1565933242, ClinGen allele CA387374948.
Genomic context (GRCh38, chr12:132,639,257, plus strand): 5'-GACCGAAGCCAGCGGTAGAAGTGCATCACCTGGTTGTCTGCATAGATGTTGTGGTACTGG[G>A]TGATCTCCTTCACCCAGCCCACGACCATGCTCTTCAGGATCCTGAAAGAGAAGGTGCACG-3'
Protein context (NP_006222.2, residues 1797-1817): SMVVGWVKEI[Thr1807Ile]QYHNIYADNQ